The following is an entry in ClinVar:

NM_001042492.3(NF1):c.5721del (p.Phe1907fs)

Gene: NF1 (neurofibromin 1; plus strand). Cytogenetic location: 17q11.2.
Variant type: Deletion.
Coding change: c.5721del on transcript NM_001042492.3 (MANE Select); coding-DNA position 5721, one base deleted (T; older notation c.5721delT).
Protein change: p.Phe1907fs; shifts the reading frame from phenylalanine 1907.
Molecular consequence: frameshift variant.
Genome position (GRCh38, 1-based): chr17:31,330,407, T deleted; the last of 3 consecutive T bases (chr17:31,330,405-31,330,407); deleting any one gives the same sequence. VCF-style (leftmost placement, unchanged base first): chr17-31330404-CT-C. GRCh37 (hg19) VCF-style: chr17-29657422-CT-C.
Other names: c.5658delT (NM_000267.3); c.5658delT, p.Phe1886Leufs (NM_000267.4); short protein forms F1886fs, F1907fs.
Identifiers: ClinVar variation 1397603 (VCV001397603.9), dbSNP rs2151544716, ClinGen allele CA2573153420.

ClinVar aggregate classification (germline): Pathogenic. Review status: criteria provided, multiple submitters, no conflicts (2 of 4 stars). 2 submissions from 2 submitters: Pathogenic (2). Last evaluated 2025-10-17.

Conditions:
Cardiovascular phenotype. Identifiers: MedGen CN230736.
Hereditary cancer-predisposing syndrome. Also called: Hereditary neoplastic syndrome; Neoplastic Syndromes, Hereditary; Hereditary Cancer Syndrome; Tumor predisposition. Identifiers: Orphanet 140162, MedGen C0027672, MeSH D009386, MONDO:0015356.
Neurofibromatosis, type 1 (NF1). Also called: VON RECKLINGHAUSEN DISEASE; Neurofibromatosis, type I; NEUROFIBROMATOSIS, TYPE I, SOMATIC; Peripheral type neurofibromatosis. Identifiers: Orphanet 636, MedGen C0027831, MONDO:0018975, OMIM 162200. Disease mechanism: loss of function.

Submissions (2):

Ambry Genetics
Classification: Pathogenic for Cardiovascular phenotype; Hereditary cancer-predisposing syndrome. Last evaluated: 2025-10-17. Review status: criteria provided, single submitter. Criteria: Ambry Variant Classification Scheme 2023. Collection method: clinical testing. Allele origin: germline.
Comment: The c.5658delT pathogenic mutation, located in coding exon 38 of the NF1 gene, results from a deletion of one nucleotide at nucleotide position 5658, causing a translational frameshift with a predicted alternate stop codon (p.F1886Lfs*18). This variant is considered to be rare based on population cohorts in the Genome Aggregation Database (gnomAD). This alteration is expected to result in loss of function by premature protein truncation or nonsense-mediated mRNA decay. As such, this alteration is interpreted as a disease-causing mutation.

Labcorp Genetics (formerly Invitae), Labcorp
Classification: Pathogenic for Neurofibromatosis, type 1. Last evaluated: 2024-09-19. Review status: criteria provided, single submitter. Criteria: Invitae Variant Classification Sherloc (09022015). Collection method: clinical testing. Allele origin: germline.
Comment: This sequence change creates a premature translational stop signal (p.Phe1886Leufs*18) in the NF1 gene. It is expected to result in an absent or disrupted protein product. Loss-of-function variants in NF1 are known to be pathogenic (PMID: 10712197, 23913538). This variant is not present in population databases (gnomAD no frequency). This premature translational stop signal has been observed in individual(s) with neurofibromatosis (PMID: 15146469). This variant is also known as c.5656delT. ClinVar contains an entry for this variant (Variation ID: 1397603). For these reasons, this variant has been classified as Pathogenic.

Literature cited by the submitters: PubMed 10712197 (cited by Labcorp Genetics (formerly Invitae), Labcorp); PubMed 23913538 (cited by Labcorp Genetics (formerly Invitae), Labcorp); PubMed 15146469 (cited by Labcorp Genetics (formerly Invitae), Labcorp).